The following is an entry in ClinVar:

NM_000321.3(RB1):c.1066A>G (p.Thr356Ala)

Gene: RB1 (RB transcriptional corepressor 1; plus strand). Cytogenetic location: 13q14.2.
Variant type: single nucleotide variant.
Coding change: c.1066A>G on transcript NM_000321.3 (MANE Select); coding-DNA position 1066, A replaced by G.
Protein change: p.Thr356Ala; replaces threonine 356 with alanine.
Molecular consequence: missense variant.
Genome position (GRCh38, 1-based): chr13:48,368,543, A>G. VCF-style: chr13-48368543-A-G. GRCh37 (hg19) VCF-style: chr13-48942679-A-G.
Other names: c.1066A>G, p.Thr356Ala (NM_001407165.1, NM_001407166.1); short protein forms T356A.
Identifiers: ClinVar variation 3387565 (VCV003387565.1).

ClinVar aggregate classification (germline): Uncertain significance (1 of 4 stars; one submission).

Conditions:
Retinoblastoma (RB1). Also called: RETINOBLASTOMA, SOMATIC. Identifiers: Orphanet 790, MedGen C0035335, MeSH D012175, MONDO:0008380, OMIM 180200, HP:0009919. Disease mechanism: loss of function. Inheritance: Both sporadic and heritable forms are tested..

gnomAD v4.1: 1 of 1,613,492 alleles (0.000062%); highest among the groups gnomAD compares: Non-Finnish European, 0.000085%; no homozygotes.

Submission:

All of Us Research Program, National Institutes of Health
Classification: Uncertain significance for Retinoblastoma. Last evaluated: 2024-08-06. Review status: criteria provided, single submitter. Criteria: ACMG Guidelines, 2015. Collection method: clinical testing. Allele origin: germline. Inheritance: Autosomal dominant inheritance. Observed: 1 variant allele, 1 heterozygote.
Comment: This study involves interpretation of variants in research participants for the purpose of population health screening. Participant phenotype was not available at the time of variant classification. Additional details can be found in publication PMID: 35346344, PMCID: PMC8962531